The following is an entry in ClinVar:

NM_014844.5(TECPR2):c.3946C>T (p.Gln1316Ter)

Gene: TECPR2 (tectonin beta-propeller repeat containing 2; plus strand). Cytogenetic location: 14q32.31.
Variant type: single nucleotide variant.
Coding change: c.3946C>T on transcript NM_014844.5 (MANE Select); coding-DNA position 3946, C replaced by T.
Protein change: p.Gln1316Ter; replaces glutamine 1316 with a stop codon.
Molecular consequence: nonsense.
Genome position (GRCh38, 1-based): chr14:102,497,584, C>T. VCF-style: chr14-102497584-C-T. GRCh37 (hg19) VCF-style: chr14-102963921-C-T.
Other names: short protein forms Q1316*.
Identifiers: ClinVar variation 1072374 (VCV001072374.7), dbSNP rs2139803640, ClinGen allele CA391058178.

ClinVar aggregate classification (germline): Pathogenic (1 of 4 stars; one submission).

Conditions:
Hereditary spastic paraplegia 49 (HSAN9). Also called: Spastic paraplegia 49, autosomal recessive; NEUROPATHY, HEREDITARY SENSORY AND AUTONOMIC, TYPE IX, WITH DEVELOPMENTAL DELAY; TECPR2-Related Hereditary Sensory and Autonomic Neuropathy with Intellectual Disability. Identifiers: Orphanet 320385, MedGen C5190860, MONDO:0014016, OMIM 615031.

Submission:

Labcorp Genetics (formerly Invitae), Labcorp
Classification: Pathogenic for Hereditary spastic paraplegia 49. Last evaluated: 2020-09-24. Review status: criteria provided, single submitter. Criteria: Invitae Variant Classification Sherloc (09022015). Collection method: clinical testing. Allele origin: germline.
Comment: For these reasons, this variant has been classified as Pathogenic. Loss-of-function variants in TECPR2 are known to be pathogenic (PMID: 23176824, 25590979). This variant has not been reported in the literature in individuals with TECPR2-related conditions. This variant is not present in population databases (ExAC no frequency). This sequence change creates a premature translational stop signal (p.Gln1316*) in the TECPR2 gene. It is expected to result in an absent or disrupted protein product.

Literature cited by the submitters: PubMed 23176824; PubMed 25590979.